The following is an entry in ClinVar:

NM_003239.5(TGFB3):c.516+135T>C

Gene: TGFB3 (transforming growth factor beta 3; minus strand). Cytogenetic location: 14q24.3.
Variant type: single nucleotide variant.
Coding change: c.516+135T>C on transcript NM_003239.5 (MANE Select); 135 bases into the intron after coding-DNA position 516, T replaced by C.
Molecular consequence: intron variant.
Genome position (GRCh38, 1-based): chr14:75,971,420, A>G on the plus strand (T>C on the coding strand, the complement: TGFB3 is on the minus strand). VCF-style: chr14-75971420-A-G. GRCh37 (hg19) VCF-style: chr14-76437763-A-G.
Other names: c.516+135T>C (NM_001329939.2, NM_001329938.2).
Identifiers: ClinVar variation 676404 (VCV000676404.2), dbSNP rs3917175, ClinGen allele CA14021558.

ClinVar aggregate classification (germline): Benign. Review status: criteria provided, multiple submitters, no conflicts (2 of 4 stars). 2 submissions from 2 submitters: Benign (2). Last evaluated 2018-06-16.

Allele frequency attached by ClinVar (database versions not stated): gnomAD exomes 0.00136; gnomAD 0.01445 and 0.01560; TOPMed 0.01614; 1000 Genomes Project 0.01617; 1000 Genomes Project 30x 0.01827.
gnomAD v4.1: 4,156 of 1,519,798 alleles (0.27%); highest among the groups gnomAD compares: African/African-American, 4.9%; 95 homozygotes.

Submissions (2):

GeneDx
Classification: Benign. Last evaluated: 2018-06-16. Review status: criteria provided, single submitter. Criteria: GeneDx Variant Classification (06012015). Collection method: clinical testing. Allele origin: germline. Affected: yes.
Comment: This variant is considered likely benign or benign based on one or more of the following criteria: it is a conservative change, it occurs at a poorly conserved position in the protein, it is predicted to be benign by multiple in silico algorithms, and/or has population frequency not consistent with disease.

Breakthrough Genomics
Classification: Benign. Review status: criteria provided, single submitter. Criteria: ACMG Guidelines, 2015. Collection method: not provided. Allele origin: germline. Inheritance: Autosomal dominant inheritance. Affected: yes.